The following is an entry in ClinVar:

ClinVar aggregate classification (germline): Uncertain significance. Review status: criteria provided, multiple submitters, no conflicts (2 of 4 stars). 2 submissions from 2 submitters: Uncertain significance (2). Last evaluated 2021-08-26.

Conditions:
Familial infantile myasthenia (CMS6). Also called: Congenital myasthenic syndrome type 6; MYASTHENIC SYNDROME, PRESYNAPTIC, CONGENITAL, ASSOCIATED WITH EPISODIC APNEA; MYASTHENIC SYNDROME, CONGENITAL, 6, PRESYNAPTIC. Identifiers: Orphanet 590, MedGen C0393929, MONDO:0009689, OMIM 254210.

gnomAD v4.1: 3 of 1,614,130 alleles (0.00019%); highest among the groups gnomAD compares: Non-Finnish European, 0.00025%; no homozygotes.

Submissions (2):

Labcorp Genetics (formerly Invitae), Labcorp
Classification: Uncertain significance for Familial infantile myasthenia. Last evaluated: 2021-08-26. Review status: criteria provided, single submitter. Criteria: Invitae Variant Classification Sherloc (09022015). Collection method: clinical testing. Allele origin: germline.
Comment: This sequence change replaces aspartic acid with histidine at codon 400 of the CHAT protein (p.Asp400His). The aspartic acid residue is moderately conserved and there is a moderate physicochemical difference between aspartic acid and histidine. This variant is not present in population databases (ExAC no frequency). This variant has not been reported in the literature in individuals affected with CHAT-related conditions. Advanced modeling of protein sequence and biophysical properties (such as structural, functional, and spatial information, amino acid conservation, physicochemical variation, residue mobility, and thermodynamic stability) performed at Invitae indicates that this missense variant is not expected to disrupt CHAT protein function. In summary, the available evidence is currently insufficient to determine the role of this variant in disease. Therefore, it has been classified as a Variant of Uncertain Significance.

Revvity Omics, Revvity
Classification: Uncertain significance for Familial infantile myasthenia. Last evaluated: 2019-07-09. Review status: criteria provided, single submitter. Criteria: ACMG Guidelines, 2015. Collection method: clinical testing. Allele origin: germline.

NM_020549.5(CHAT):c.1198G>C (p.Asp400His)

Gene: CHAT (choline O-acetyltransferase; plus strand). Cytogenetic location: 10q11.23.
Variant type: single nucleotide variant.
Coding change: c.1198G>C on transcript NM_020549.5 (MANE Select); coding-DNA position 1198, G replaced by C.
Protein change: p.Asp400His; replaces aspartic acid 400 with histidine.
Molecular consequence: missense variant.
Genome position (GRCh38, 1-based): chr10:49,646,591, G>C. VCF-style: chr10-49646591-G-C. GRCh37 (hg19) VCF-style: chr10-50854637-G-C.
Other names: c.844G>C, p.Asp282His (NM_001142929.2, NM_001142934.2, NM_020986.4 and 2 more transcripts); c.952G>C, p.Asp318His (NM_001142933.2); c.1198G>C (NM_020549.4); short protein forms D282H, D400H, D318H.
Identifiers: ClinVar variation 1445610 (VCV001445610.7), dbSNP rs8178991, ClinGen allele CA376740196.